The following is an entry in ClinVar:

ClinVar aggregate classification (germline): Uncertain significance. Review status: criteria provided, multiple submitters, no conflicts (2 of 4 stars). 3 submissions from 3 submitters: Uncertain significance (3). Last evaluated 2025-09-08.

Conditions:
Hereditary cancer-predisposing syndrome. Also called: Neoplastic Syndromes, Hereditary; Hereditary Cancer Syndrome; Hereditary neoplastic syndrome; Tumor predisposition. Identifiers: Orphanet 140162, MedGen C0027672, MeSH D009386, MONDO:0015356.
Cardiovascular phenotype. Identifiers: MedGen CN230736.
Neurofibromatosis, type 1 (NF1). Also called: Neurofibromatosis, type I; Peripheral type neurofibromatosis; VON RECKLINGHAUSEN DISEASE; NEUROFIBROMATOSIS, TYPE I, SOMATIC. Identifiers: Orphanet 636, MedGen C0027831, MONDO:0018975, OMIM 162200. Disease mechanism: loss of function.

Submissions (3):

Labcorp Genetics (formerly Invitae), Labcorp
Classification: Uncertain significance for Neurofibromatosis, type 1. Last evaluated: 2025-09-08. Review status: criteria provided, single submitter. Criteria: Invitae Variant Classification Sherloc (09022015). Collection method: clinical testing. Allele origin: germline.
Comment: This sequence change replaces valine, which is neutral and non-polar, with leucine, which is neutral and non-polar, at codon 2601 of the NF1 protein (p.Val2601Leu). This variant is not present in population databases (gnomAD no frequency). This variant has not been reported in the literature in individuals affected with NF1-related conditions. ClinVar contains an entry for this variant (Variation ID: 827264). Invitae Evidence Modeling of protein sequence and biophysical properties (such as structural, functional, and spatial information, amino acid conservation, physicochemical variation, residue mobility, and thermodynamic stability) has been performed for this missense variant. However, the output from this modeling did not meet the statistical confidence thresholds required to predict the impact of this variant on NF1 protein function. In summary, the available evidence is currently insufficient to determine the role of this variant in disease. Therefore, it has been classified as a Variant of Uncertain Significance.

Ambry Genetics
Classification: Uncertain significance for Cardiovascular phenotype; Hereditary cancer-predisposing syndrome. Last evaluated: 2024-03-12. Review status: criteria provided, single submitter. Criteria: Ambry Variant Classification Scheme 2023. Collection method: clinical testing. Allele origin: germline.
Comment: The p.V2601L variant (also known as c.7801G>C), located in coding exon 52 of the NF1 gene, results from a G to C substitution at nucleotide position 7801. The valine at codon 2601 is replaced by leucine, an amino acid with highly similar properties. This amino acid position is highly conserved in available vertebrate species. In addition, the in silico prediction for this alteration is inconclusive. Since supporting evidence is limited at this time, the clinical significance of this alteration remains unclear.

Genome-Nilou Lab
Classification: Uncertain significance for Neurofibromatosis, type 1. Last evaluated: 2022-03-15. Review status: criteria provided, single submitter. Criteria: ACMG Guidelines, 2015. Collection method: clinical testing. Allele origin: germline. Affected: no.

NM_001042492.3(NF1):c.7864G>C (p.Val2622Leu)

Gene: NF1 (neurofibromin 1; plus strand). Cytogenetic location: 17q11.2.
Variant type: single nucleotide variant.
Coding change: c.7864G>C on transcript NM_001042492.3 (MANE Select); coding-DNA position 7864, G replaced by C.
Protein change: p.Val2622Leu; replaces valine 2622 with leucine.
Molecular consequence: missense variant.
Genome position (GRCh38, 1-based): chr17:31,357,085, G>C. VCF-style: chr17-31357085-G-C. GRCh37 (hg19) VCF-style: chr17-29684103-G-C.
Other names: c.7801G>C, p.Val2601Leu (NM_000267.4); short protein forms V2622L, V2601L.
Identifiers: ClinVar variation 827264 (VCV000827264.12), dbSNP rs1471144465, ClinGen allele CA399018708.